The following is an entry in ClinVar:

NM_000492.4(CFTR):c.3893G>T (p.Gly1298Val)

Gene: CFTR (CF transmembrane conductance regulator; plus strand). Cytogenetic location: 7q31.2.
Variant type: single nucleotide variant.
Coding change: c.3893G>T on transcript NM_000492.4 (MANE Select); coding-DNA position 3893, G replaced by T.
Protein change: p.Gly1298Val; replaces glycine 1298 with valine.
Molecular consequence: missense variant.
Genome position (GRCh38, 1-based): chr7:117,652,861, G>T. VCF-style: chr7-117652861-G-T. GRCh37 (hg19) VCF-style: chr7-117292915-G-T.
Other names: c.3893G>T (NM_000492.3); short protein forms G1298V.
Identifiers: ClinVar variation 594547 (VCV000594547.7), dbSNP rs193922522, ClinGen allele CA164952592.

ClinVar aggregate classification (germline): Uncertain significance. Review status: criteria provided, multiple submitters, no conflicts (2 of 4 stars). 3 submissions from 3 submitters: Uncertain significance (3). Last evaluated 2024-06-12.

Conditions:
Cystic fibrosis (CF). Also called: MUCOVISCIDOSIS. Identifiers: Orphanet 586, MedGen C0010674, MONDO:0009061, OMIM 219700. Disease mechanism: loss of function.

Allele frequency attached by ClinVar (database versions not stated): gnomAD 0.00001; gnomAD exomes 0.00001; TOPMed 0.00003.
gnomAD v4.1: 18 of 1,557,052 alleles (0.0012%); highest among the groups gnomAD compares: Non-Finnish European, 0.0014%; no homozygotes.

Submissions (3):

Ambry Genetics
Classification: Uncertain significance for Cystic fibrosis. Last evaluated: 2024-06-12. Review status: criteria provided, single submitter. Criteria: Ambry Variant Classification Scheme 2023. Collection method: clinical testing. Allele origin: germline.
Comment: The p.G1298V variant (also known as c.3893G>T), located in coding exon 24 of the CFTR gene, results from a G to T substitution at nucleotide position 3893. The glycine at codon 1298 is replaced by valine, an amino acid with dissimilar properties. This amino acid position is highly conserved in available vertebrate species. In addition, this alteration is predicted to be deleterious by in silico analysis. Based on the available evidence, the clinical significance of this variant remains unclear.

Institute of Human Genetics, University of Leipzig Medical Center
Classification: Uncertain significance for Cystic fibrosis. Last evaluated: 2022-09-05. Review status: criteria provided, single submitter. Criteria: ACMG Guidelines, 2015. Collection method: curation. Allele origin: unknown. Affected: yes. Observed: 1 variant allele.
Comment: The variant was classified in the context of a project re-classifying variants in the German Cystic Fibrosis Registry (Muko.e.V.). Criteria applied: PM2_SUP, PM5_SUP, PP3

Eurofins Ntd Llc (ga)
Classification: Uncertain significance. Last evaluated: 2017-10-13. Review status: criteria provided, single submitter. Criteria: EGL Classification Definitions 2015. Collection method: clinical testing. Allele origin: germline. Observed: 1 variant allele, 1 heterozygote.